The following is an entry in ClinVar:

ClinVar aggregate classification (germline): Likely benign. Review status: criteria provided, multiple submitters, no conflicts (2 of 4 stars). 2 submissions from 2 submitters: Likely benign (2). Last evaluated 2025-11-01.

Conditions:
Hypertrophic cardiomyopathy. Also called: HYPERTROPHIC MYOCARDIOPATHY. Identifiers: Orphanet 217569, MedGen C0007194, MeSH D002312, MONDO:0005045, HP:0001639.

Allele frequency attached by ClinVar (database versions not stated): gnomAD exomes below 0.00001; gnomAD 0.00001; TOPMed 0.00002; ESP Exome Variant Server 0.00008.
gnomAD v4.1: 7 of 1,612,308 alleles (0.00043%); highest among the groups gnomAD compares: African/African-American, 0.008%; no homozygotes.

Submissions (2):

Labcorp Genetics (formerly Invitae), Labcorp
Classification: Likely benign for Hypertrophic cardiomyopathy. Last evaluated: 2025-11-01. Review status: criteria provided, single submitter. Criteria: Invitae Variant Classification Sherloc (09022015). Collection method: clinical testing. Allele origin: germline.

GeneDx
Classification: Likely benign. Last evaluated: 2017-05-22. Review status: criteria provided, single submitter. Criteria: GeneDx Variant Classification (06012015). Collection method: clinical testing. Allele origin: germline. Affected: yes.
Comment: This variant is considered likely benign or benign based on one or more of the following criteria: it is a conservative change, it occurs at a poorly conserved position in the protein, it is predicted to be benign by multiple in silico algorithms, and/or has population frequency not consistent with disease.

NM_000363.5(TNNI3):c.24+19G>A

Gene: TNNI3 (troponin I3, cardiac type; minus strand). Cytogenetic location: 19q13.42.
Variant type: single nucleotide variant.
Coding change: c.24+19G>A on transcript NM_000363.5 (MANE Select); 19 bases into the intron after coding-DNA position 24, G replaced by A.
Molecular consequence: intron variant.
Genome position (GRCh38, 1-based): chr19:55,157,277, C>T on the plus strand (G>A on the coding strand, the complement: TNNI3 is on the minus strand). VCF-style: chr19-55157277-C-T. GRCh37 (hg19) VCF-style: chr19-55668645-C-T.
Other names: c.24+19G>A (LRG_432t1).
Identifiers: ClinVar variation 509685 (VCV000509685.5), dbSNP rs368708903, ClinGen allele CA310150518.
Genomic context (GRCh38, chr19:55,157,277, plus strand): 5'-CCTCCCGCCCCAGACCCCTCACTGCAGCGCCCACCCTGGCCCTGGGGGTCCCAGCCACGC[C>T]TTAGCCCGCTGCTCTCACCGCATCGCTGCTCCTGGAAGGAGAGAAACCAAGGAGGGGGGT-3'